The following is an entry in ClinVar:

ClinVar aggregate classification (germline): Uncertain significance (1 of 4 stars; one submission).

Conditions:
Papillon-Lefèvre syndrome (PALS). Also called: KERATOSIS PALMOPLANTARIS WITH PERIODONTOPATHIA; Papillon-Lefevre Disease. Identifiers: Orphanet 678, MedGen C0030360, MONDO:0009490, OMIM 245000.
Periodontitis, aggressive. Identifiers: MedGen C0031106, MONDO:0980757.
Haim-Munk syndrome (HMS). Also called: COCHIN JEWISH DISORDER; KERATOSIS PALMOPLANTARIS WITH PERIODONTOPATHIA AND ONYCHOGRYPOSIS. Identifiers: Orphanet 2342, MedGen C1855627, MONDO:0009491, OMIM 245010.

gnomAD v4.1: 35 of 1,580,944 alleles (0.0022%); highest among the groups gnomAD compares: Non-Finnish European, 0.0024%; no homozygotes.

Submission:

Labcorp Genetics (formerly Invitae), Labcorp
Classification: Uncertain significance for Haim-Munk syndrome; Periodontitis, aggressive; Papillon-Lefèvre syndrome. Last evaluated: 2021-09-03. Review status: criteria provided, single submitter. Criteria: Invitae Variant Classification Sherloc (09022015). Collection method: clinical testing. Allele origin: germline.
Comment: This sequence change replaces leucine with phenylalanine at codon 7 of the CTSC protein (p.Leu7Phe). The leucine residue is weakly conserved and there is a small physicochemical difference between leucine and phenylalanine. This variant is not present in population databases (ExAC no frequency). This variant has not been reported in the literature in individuals affected with CTSC-related conditions. Algorithms developed to predict the effect of missense changes on protein structure and function are either unavailable or do not agree on the potential impact of this missense change (SIFT: "Not Available"; PolyPhen-2: "Benign"; Align-GVGD: "Not Available"). In summary, the available evidence is currently insufficient to determine the role of this variant in disease. Therefore, it has been classified as a Variant of Uncertain Significance.

NM_001814.6(CTSC):c.21G>T (p.Leu7Phe)

Genes: CTSC (cathepsin C; minus strand), LOC130006572 (ATAC-STARR-seq lymphoblastoid active region 5382; plus strand). Cytogenetic location: 11q14.2.
Variant type: single nucleotide variant.
Coding change: c.21G>T on transcript NM_001814.6 (MANE Select); coding-DNA position 21, G replaced by T.
Protein change: p.Leu7Phe; replaces leucine 7 with phenylalanine.
Molecular consequence: missense variant.
Genome position (GRCh38, 1-based): chr11:88,337,652, C>A on the plus strand (G>T on the coding strand, the complement: CTSC is on the minus strand). VCF-style: chr11-88337652-C-A. GRCh37 (hg19) VCF-style: chr11-88070820-C-A.
Other names: c.21G>T, p.Leu7Phe (NM_001114173.3, NM_148170.5); short protein forms L7F.
Identifiers: ClinVar variation 1400344 (VCV001400344.4), dbSNP rs370256893, ClinGen allele CA382031005.
Genomic context (GRCh38, chr11:88,337,652, plus strand): 5'-AGGTGTGTCGCAGCGCACGGCGCCGTCGCCGGAGAGAAGCAGCAGGAGGGCGGCGAGCAG[C>A]AAGGAGGGCCCAGCACCCATGCTGCAGGGAGCTGAGAAAAGAGGTGAAGAATTACCAGGA-3'
Protein context (NP_001805.4, residues 1-17): MGAGPS[Leu7Phe]LLAALLLLLS